The following is an entry in ClinVar:

ClinVar aggregate classification (germline): Uncertain significance. Review status: criteria provided, multiple submitters, no conflicts (2 of 4 stars). 2 submissions from 2 submitters: Uncertain significance (2). Last evaluated 2026-06-10.

Conditions:
BICD1-related condition.

gnomAD v4.1: 49 of 1,614,186 alleles (0.003%); highest among the groups gnomAD compares: East Asian, 0.018%; no homozygotes.

Submissions (2):

PreventionGenetics, part of Exact Sciences
Classification: Uncertain significance for BICD1-related condition. Last evaluated: 2026-06-10. Review status: criteria provided, single submitter. Criteria: ACMG Guidelines, 2015. Collection method: clinical testing. Allele origin: germline.
Comment: The BICD1 c.1484A>G variant is predicted to result in the amino acid substitution p.Asn495Ser. To our knowledge, this variant has not been reported in the literature. This variant is reported in 0.027% of alleles in individuals of East Asian descent in gnomAD. At this time, the clinical significance of this variant is uncertain due to the absence of conclusive functional and genetic evidence.

Ambry Genetics
Classification: Uncertain significance. Last evaluated: 2025-11-20. Review status: criteria provided, single submitter. Criteria: Ambry Variant Classification Scheme 2023. Collection method: clinical testing. Allele origin: germline.

NM_001714.4(BICD1):c.1484A>G (p.Asn495Ser)

Gene: BICD1 (BICD cargo adaptor 1; plus strand). Cytogenetic location: 12p11.21.
Variant type: single nucleotide variant.
Coding change: c.1484A>G on transcript NM_001714.4 (MANE Select); coding-DNA position 1484, A replaced by G.
Protein change: p.Asn495Ser; replaces asparagine 495 with serine.
Molecular consequence: missense variant. On other transcripts: non-coding transcript variant (1), intron variant (1).
Genome position (GRCh38, 1-based): chr12:32,327,939, A>G. VCF-style: chr12-32327939-A-G. GRCh37 (hg19) VCF-style: chr12-32480873-A-G.
Other names: c.1484A>G (NM_001354186.1); c.1484A>G, p.Asn495Ser (NM_001413158.1, NM_001413159.1, NM_001413160.1 and 16 more transcripts); c.1517A>G, p.Asn506Ser (NM_001413168.1, NM_001413170.1); c.1058A>G, p.Asn353Ser (NM_001413171.1); c.1006-6577A>G (NM_001413172.1); short protein forms N495S, N353S, N506S.
Identifiers: ClinVar variation 4645889 (VCV004645889.2).
Genomic context (GRCh38, chr12:32,327,939, plus strand): 5'-AGAGTGGTGAGAAGATGGCCCACATGGAGAAGGAGTTGCAAAAGATGACCAGCATAGCCA[A>G]CGAAAATCACAGTACCCTTAATACGGCCCAGGATGAGTTAGTGACATTCAGTGAGGAGTT-3'
Protein context (NP_001705.2, residues 485-505): KELQKMTSIA[Asn495Ser]ENHSTLNTAQ